The following is an entry in ClinVar:

ClinVar aggregate classification (germline): Likely benign (1 of 4 stars; one submission).

Conditions:
Arrhythmogenic right ventricular cardiomyopathy (ARVD). Also called: Arrhythmogenic right ventricular dysplasia; Cardiomyopathy, ARVC; Arrhythmogenic cardiomyopathy; Arrhythmogenic Right Ventricular Cardiomyopathy (ARVC). Identifiers: Orphanet 247, MedGen C0349788, MeSH D019571, MONDO:0016587. Disease mechanism: loss of function. Inheritance: Various modes of inheritance.

Submission:

All of Us Research Program, National Institutes of Health
Classification: Likely benign for Arrhythmogenic right ventricular cardiomyopathy. Last evaluated: 2023-04-03. Review status: criteria provided, single submitter. Criteria: ACMG Guidelines, 2015. Collection method: clinical testing. Allele origin: germline. Inheritance: Autosomal dominant inheritance. Observed: 1 variant allele, 1 heterozygote.
Comment: This study involves interpretation of variants in research participants for the purpose of population health screening. Participant phenotype was not available at the time of variant classification. Additional details can be found in publication PMID: 35346344, PMCID: PMC8962531

NM_001943.5(DSG2):c.1929C>A (p.Gly643=)

Gene: DSG2 (desmoglein 2; plus strand). Cytogenetic location: 18q12.1.
Variant type: single nucleotide variant.
Coding change: c.1929C>A on transcript NM_001943.5 (MANE Select); coding-DNA position 1929, C replaced by A.
Protein change: p.Gly643=; no amino-acid change (glycine 643 retained).
Molecular consequence: synonymous variant.
Genome position (GRCh38, 1-based): chr18:31,541,242, C>A. VCF-style: chr18-31541242-C-A. GRCh37 (hg19) VCF-style: chr18-29121205-C-A.
Identifiers: ClinVar variation 3070048 (VCV003070048.1), dbSNP rs2510919982, ClinGen allele CA503597140.